The following is an entry in ClinVar:

NM_025074.7(FRAS1):c.5401G>A (p.Val1801Ile)

Gene: FRAS1 (Fraser extracellular matrix complex subunit 1; plus strand). Cytogenetic location: 4q21.21.
Variant type: single nucleotide variant.
Coding change: c.5401G>A on transcript NM_025074.7 (MANE Select); coding-DNA position 5401, G replaced by A.
Protein change: p.Val1801Ile; replaces valine 1801 with isoleucine.
Molecular consequence: missense variant.
Genome position (GRCh38, 1-based): chr4:78,438,936, G>A. VCF-style: chr4-78438936-G-A. GRCh37 (hg19) VCF-style: chr4-79360090-G-A.
Other names: c.5401G>A, p.Val1801Ile (NM_001166133.2); short protein forms V1801I.
Identifiers: ClinVar variation 3714804 (VCV003714804.2).

ClinVar aggregate classification (germline): Uncertain significance (1 of 4 stars; one submission).

gnomAD v4.1: 1 of 1,611,654 alleles (0.000062%); highest among the groups gnomAD compares: Admixed American, 0.0017%; no homozygotes.

Submission:

Labcorp Genetics (formerly Invitae), Labcorp
Classification: Uncertain significance. Last evaluated: 2025-01-27. Review status: criteria provided, single submitter. Criteria: Invitae Variant Classification Sherloc (09022015). Collection method: clinical testing. Allele origin: germline.
Comment: This sequence change replaces valine, which is neutral and non-polar, with isoleucine, which is neutral and non-polar, at codon 1801 of the FRAS1 protein (p.Val1801Ile). This variant is not present in population databases (gnomAD no frequency). This variant has not been reported in the literature in individuals affected with FRAS1-related conditions. Invitae Evidence Modeling of protein sequence and biophysical properties (such as structural, functional, and spatial information, amino acid conservation, physicochemical variation, residue mobility, and thermodynamic stability) indicates that this missense variant is not expected to disrupt FRAS1 protein function with a negative predictive value of 80%. In summary, the available evidence is currently insufficient to determine the role of this variant in disease. Therefore, it has been classified as a Variant of Uncertain Significance.